The following is an entry in ClinVar:

ClinVar aggregate classification (germline): Pathogenic (1 of 4 stars; one submission).

Submission:

Labcorp Genetics (formerly Invitae), Labcorp
Classification: Pathogenic. Last evaluated: 2021-06-19. Review status: criteria provided, single submitter. Criteria: Invitae Variant Classification Sherloc (09022015). Collection method: clinical testing. Allele origin: germline.
Comment: For these reasons, this variant has been classified as Pathogenic. This variant has not been reported in the literature in individuals with SKIV2L-related conditions. This variant is not present in population databases (ExAC no frequency). This sequence change creates a premature translational stop signal (p.Leu396Hisfs*24) in the SKIV2L gene. It is expected to result in an absent or disrupted protein product. Loss-of-function variants in SKIV2L are known to be pathogenic (PMID: 22444670).

Literature cited by the submitters: PubMed 22444670.

NM_006929.5(SKIC2):c.1187_1197del (p.Leu396fs)

Genes: SKIC2 (SKI2 subunit of superkiller complex; plus strand), LOC126859653 (CDK7 strongly-dependent group 2 enhancer GRCh37_chr6:31929542-31930741; plus strand). Cytogenetic location: 6p21.33.
Variant type: Deletion.
Coding change: c.1187_1197del on transcript NM_006929.5 (MANE Select); coding-DNA positions 1187 to 1197, 11 bases deleted (TCATCATGACC).
Protein change: p.Leu396fs; shifts the reading frame from leucine 396.
Molecular consequence: frameshift variant.
Genome position (GRCh38, 1-based): chr6:31,962,561-31,962,571, TCATCATGACC deleted; deleting any 11 consecutive bases within chr6:31,962,559-31,962,571 gives the same sequence; the c. name uses the placement nearest the transcript's 3' end. VCF-style (leftmost placement, unchanged base first): chr6-31962558-GCCTCATCATGA-G. GRCh37 (hg19) VCF-style: chr6-31930335-GCCTCATCATGA-G.
Other names: short protein forms L396fs.
Identifiers: ClinVar variation 1389829 (VCV001389829.6), dbSNP rs1458961443, ClinGen allele CA566367202.